The following is an entry in ClinVar:

NM_001367823.1(ARHGEF18):c.968-352A>G

Gene: ARHGEF18 (Rho/Rac guanine nucleotide exchange factor 18; plus strand). Cytogenetic location: 19p13.2.
Variant type: single nucleotide variant.
Coding change: c.968-352A>G on transcript NM_001367823.1 (MANE Select); 352 bases into the intron before coding-DNA position 968, A replaced by G.
Molecular consequence: intron variant. On other transcripts: 5 prime UTR variant (1).
Genome position (GRCh38, 1-based): chr19:7,439,992, A>G. VCF-style: chr19-7439992-A-G. GRCh37 (hg19) VCF-style: chr19-7504878-A-G.
Other names: c.-111A>G (NM_001130955.2); c.-226-197A>G (NM_001367824.1); c.-71-352A>G (NM_015318.4).
Identifiers: ClinVar variation 1422905 (VCV001422905.6), dbSNP rs935091942, ClinGen allele CA304877299.

ClinVar aggregate classification (germline): Uncertain significance. Review status: criteria provided, multiple submitters, no conflicts (2 of 4 stars). 2 submissions from 2 submitters: Uncertain significance (2). Last evaluated 2022-09-19.

Allele frequency attached by ClinVar (database versions not stated): gnomAD exomes 0.00001; gnomAD 0.00002; TOPMed 0.00002.
gnomAD v4.1: 23 of 1,549,100 alleles (0.0015%); highest among the groups gnomAD compares: Non-Finnish European, 0.0019%; no homozygotes.

Submissions (2):

Blueprint Genetics
Classification: Uncertain significance. Last evaluated: 2022-09-19. Review status: criteria provided, single submitter. Criteria: ACMG Guidelines, 2015. Collection method: clinical testing. Allele origin: germline.

Labcorp Genetics (formerly Invitae), Labcorp
Classification: Uncertain significance. Last evaluated: 2021-08-26. Review status: criteria provided, single submitter. Criteria: Invitae Variant Classification Sherloc (09022015). Collection method: clinical testing. Allele origin: germline.
Comment: This sequence change replaces asparagine with aspartic acid at codon 18 of the ARHGEF18 protein (p.Asn18Asp). The asparagine residue is moderately conserved and there is a small physicochemical difference between asparagine and aspartic acid. This variant is not present in population databases (ExAC no frequency). This variant has not been reported in the literature in individuals affected with ARHGEF18-related conditions. Algorithms developed to predict the effect of missense changes on protein structure and function are either unavailable or do not agree on the potential impact of this missense change (SIFT: "Deleterious"; PolyPhen-2: "Benign"; Align-GVGD: "Class C0"). In summary, the available evidence is currently insufficient to determine the role of this variant in disease. Therefore, it has been classified as a Variant of Uncertain Significance.